The following is an entry in ClinVar:

NM_006031.6(PCNT):c.393G>A (p.Gly131=)

Gene: PCNT (pericentrin; plus strand). Cytogenetic location: 21q22.3.
Variant type: single nucleotide variant.
Coding change: c.393G>A on transcript NM_006031.6 (MANE Select); coding-DNA position 393, G replaced by A.
Protein change: p.Gly131=; no amino-acid change (glycine 131 retained).
Molecular consequence: synonymous variant.
Genome position (GRCh38, 1-based): chr21:46,334,522, G>A. VCF-style: chr21-46334522-G-A. GRCh37 (hg19) VCF-style: chr21-47754436-G-A.
Other names: c.393G>A (NM_006031.5); c.39G>A, p.Gly13= (NM_001315529.2).
Identifiers: ClinVar variation 1586203 (VCV001586203.10), dbSNP rs752365337, ClinGen allele CA10078244.

ClinVar aggregate classification (germline): Likely benign. Review status: criteria provided, single submitter (1 of 4 stars). 2 submissions from 2 submitters: Likely benign (1). 1 of the submissions does not count toward it. Last evaluated 2025-08-14.

Conditions:
PCNT-related disorder. Also called: PCNT-related condition.

Allele frequency attached by ClinVar (database versions not stated): gnomAD 0.00001; TOPMed 0.00006; ExAC 0.00013.

Submissions (2):

Labcorp Genetics (formerly Invitae), Labcorp
Classification: Likely benign. Last evaluated: 2025-08-14. Review status: criteria provided, single submitter. Criteria: Invitae Variant Classification Sherloc (09022015). Collection method: clinical testing. Allele origin: germline.

PreventionGenetics, part of Exact Sciences
Classification: Likely benign for PCNT-related condition. Last evaluated: 2021-09-14. Review status: no assertion criteria provided. Collection method: clinical testing. Allele origin: germline. Not counted in ClinVar's aggregate classification.
Comment: This variant is classified as likely benign based on ACMG/AMP sequence variant interpretation guidelines (Richards et al. 2015 PMID: 25741868, with internal and published modifications).